The following is an entry in ClinVar:

ClinVar aggregate classification (germline): Uncertain significance (1 of 4 stars; one submission).

Submission:

Ambry Genetics
Classification: Uncertain significance. Last evaluated: 2025-02-03. Review status: criteria provided, single submitter. Criteria: Ambry Variant Classification Scheme 2023. Collection method: clinical testing. Allele origin: germline.
Comment: The p.Q165L variant (also known as c.494A>T), located in coding exon 1 of the CDK12 gene, results from an A to T substitution at nucleotide position 494. The glutamine at codon 165 is replaced by leucine, an amino acid with dissimilar properties. This amino acid position is conserved. In addition, this alteration is predicted to be tolerated by in silico analysis. Based on the available evidence, the clinical significance of this variant remains unclear.

NM_016507.4(CDK12):c.494A>T (p.Gln165Leu)

Genes: CDK12 (cyclin dependent kinase 12; plus strand), LOC126862553 (CDK7 strongly-dependent group 2 enhancer GRCh37_chr17:37618166-37619365; plus strand). Cytogenetic location: 17q12.
Variant type: single nucleotide variant.
Coding change: c.494A>T on transcript NM_016507.4 (MANE Select); coding-DNA position 494, A replaced by T.
Protein change: p.Gln165Leu; replaces glutamine 165 with leucine.
Molecular consequence: missense variant.
Genome position (GRCh38, 1-based): chr17:39,462,565, A>T. VCF-style: chr17-39462565-A-T. GRCh37 (hg19) VCF-style: chr17-37618818-A-T.
Other names: c.494A>T, p.Gln165Leu (NM_015083.4); short protein forms Q165L.
Identifiers: ClinVar variation 3830600 (VCV003830600.1).